The following is an entry in ClinVar:

ClinVar aggregate classification (germline): Benign/Likely benign. Review status: criteria provided, multiple submitters, no conflicts (2 of 4 stars). 15 submissions from 14 submitters: Benign (6); Likely benign (6). 3 of the submissions do not count toward it. Last evaluated 2026-02-04.

Conditions:
NOTCH1-related disorder. Also called: NOTCH1-related condition; NOTCH1-related disorders.
Connective tissue disorder. Also called: Connective tissue disease. Identifiers: MedGen C0009782, MONDO:0003900.
Adams-Oliver syndrome 5 (AOS5). Identifiers: Orphanet 974, MedGen C4014970, MONDO:0014459, OMIM 616028.
Familial thoracic aortic aneurysm and aortic dissection (TAAD). Also called: Thoracic aortic aneurysms and dissections. Identifiers: Orphanet 91387, MedGen C4707243, MONDO:0019625.
Aortic valve disease 1 (AOVD1). Identifiers: MedGen C3887892, MONDO:0024523, OMIM 109730.

Allele frequency attached by ClinVar (database versions not stated): TOPMed 0.00071; 1000 Genomes Project 0.00080; gnomAD 0.00093 and 0.00096; 1000 Genomes Project 30x 0.00094; ExAC 0.00106; ESP Exome Variant Server 0.00110.
gnomAD v4.1: 1,805 of 1,612,312 alleles (0.11%); highest among the groups gnomAD compares: Non-Finnish European, 0.13%; 2 homozygotes.

Submissions (15):

Labcorp Genetics (formerly Invitae), Labcorp
Classification: Benign for Adams-Oliver syndrome 5. Last evaluated: 2026-02-04. Review status: criteria provided, single submitter. Criteria: Invitae Variant Classification Sherloc (09022015). Collection method: clinical testing. Allele origin: germline.

ARUP Laboratories, Molecular Genetics and Genomics, ARUP Laboratories
Classification: Benign. Last evaluated: 2025-03-07. Review status: criteria provided, single submitter. Criteria: ARUP Molecular Germline Variant Investigation Process 2024. Collection method: clinical testing. Allele origin: germline.

Blueprint Genetics
Classification: Likely benign. Last evaluated: 2024-11-27. Review status: criteria provided, single submitter. Criteria: ACMG Guidelines, 2015. Collection method: clinical testing. Allele origin: germline.

Women's Health and Genetics/Laboratory Corporation of America, LabCorp
Classification: Benign. Last evaluated: 2023-08-10. Review status: criteria provided, single submitter. Criteria: LabCorp Variant Classification Summary - May 2015. Collection method: clinical testing. Allele origin: germline.

CeGaT Center for Human Genetics Tuebingen
Classification: Likely benign. Last evaluated: 2022-11-01. Review status: criteria provided, single submitter. Criteria: CeGaT Center For Human Genetics Tuebingen Variant Classification Criteria Version 2. Collection method: clinical testing. Allele origin: germline. Affected: yes. Observed: 4 variant alleles.
Comment: NOTCH1: BS1

Fulgent Genetics
Classification: Benign for Aortic valve disease 1; Adams-Oliver syndrome 5. Last evaluated: 2022-03-16. Review status: criteria provided, single submitter. Criteria: ACMG Guidelines, 2015. Collection method: clinical testing. Allele origin: unknown.

Genome-Nilou Lab
Classification: Benign for Adams-Oliver syndrome 5. Last evaluated: 2022-03-15. Review status: criteria provided, single submitter. Criteria: ACMG Guidelines, 2015. Collection method: clinical testing. Allele origin: germline. Affected: no.

Genome-Nilou Lab
Classification: Benign for Aortic valve disease 1. Last evaluated: 2022-03-15. Review status: criteria provided, single submitter. Criteria: ACMG Guidelines, 2015. Collection method: clinical testing. Allele origin: germline. Affected: no.

GeneDx
Classification: Likely benign. Last evaluated: 2018-02-20. Review status: criteria provided, single submitter. Criteria: GeneDx Variant Classification (06012015). Collection method: clinical testing. Allele origin: germline. Affected: yes.
Comment: This variant is considered likely benign or benign based on one or more of the following criteria: it is a conservative change, it occurs at a poorly conserved position in the protein, it is predicted to be benign by multiple in silico algorithms, and/or has population frequency not consistent with disease.

CHEO Genetics Diagnostic Laboratory, Children's Hospital of Eastern Ontario
Classification: Likely benign for Familial thoracic aortic aneurysm and aortic dissection. Last evaluated: 2017-08-24. Review status: criteria provided, single submitter. Criteria: ACMG Guidelines, 2015. Collection method: clinical testing. Allele origin: germline. Study: Canadian Open Genetics Repository.

Center for Human Genetics, Inc
Classification: Likely benign for Connective tissue disorder. Last evaluated: 2016-11-01. Review status: criteria provided, single submitter. Criteria: ACMG Guidelines, 2015. Collection method: clinical testing. Allele origin: germline. Affected: yes.

Ambry Genetics
Classification: Likely benign for Familial thoracic aortic aneurysm and aortic dissection. Last evaluated: 2015-12-05. Review status: criteria provided, single submitter. Criteria: Ambry Variant Classification Scheme 2023. Collection method: clinical testing. Allele origin: germline.

PreventionGenetics, part of Exact Sciences
Classification: Likely benign for NOTCH1-related condition. Last evaluated: 2019-04-30. Review status: no assertion criteria provided. Collection method: clinical testing. Allele origin: germline. Not counted in ClinVar's aggregate classification.
Comment: This variant is classified as likely benign based on ACMG/AMP sequence variant interpretation guidelines (Richards et al. 2015 PMID: 25741868, with internal and published modifications).

Clinical Genetics DNA and cytogenetics Diagnostics Lab, Erasmus MC, Erasmus Medical Center
Classification: Likely benign. Review status: no assertion criteria provided. Collection method: clinical testing. Allele origin: germline. Affected: yes. Study: VKGL Data-share Consensus. Not counted in ClinVar's aggregate classification.

Genome Diagnostics Laboratory, Amsterdam University Medical Center
Classification: Likely benign. Review status: no assertion criteria provided. Collection method: clinical testing. Allele origin: germline. Affected: yes. Study: VKGL Data-share Consensus. Not counted in ClinVar's aggregate classification.

Literature cited by the submitters: PubMed 24943832 (cited by Women's Health and Genetics/Laboratory Corporation of America, LabCorp); PubMed 16614245 (cited by Women's Health and Genetics/Laboratory Corporation of America, LabCorp); PubMed 21670202 (cited by Women's Health and Genetics/Laboratory Corporation of America, LabCorp); PubMed 22210878 (cited by Women's Health and Genetics/Laboratory Corporation of America, LabCorp); PubMed 19635999 (cited by Women's Health and Genetics/Laboratory Corporation of America, LabCorp); PubMed 26837699 (cited by Women's Health and Genetics/Laboratory Corporation of America, LabCorp); PubMed 23086750 (cited by Women's Health and Genetics/Laboratory Corporation of America, LabCorp); PubMed 19245433 (cited by Women's Health and Genetics/Laboratory Corporation of America, LabCorp); PubMed 22077063 (cited by Women's Health and Genetics/Laboratory Corporation of America, LabCorp); PubMed 15472075 (cited by Women's Health and Genetics/Laboratory Corporation of America, LabCorp); PubMed 23734977 (cited by Women's Health and Genetics/Laboratory Corporation of America, LabCorp); PubMed 22858860 (cited by Women's Health and Genetics/Laboratory Corporation of America, LabCorp).

NM_017617.5(NOTCH1):c.2049G>A (p.Ala683=)

Gene: NOTCH1 (notch receptor 1; minus strand). Cytogenetic location: 9q34.3.
Variant type: single nucleotide variant.
Coding change: c.2049G>A on transcript NM_017617.5 (MANE Select); coding-DNA position 2049, G replaced by A.
Protein change: p.Ala683=; no amino-acid change (alanine 683 retained).
Molecular consequence: synonymous variant.
Genome position (GRCh38, 1-based): chr9:136,514,668, C>T on the plus strand (G>A on the coding strand, the complement: NOTCH1 is on the minus strand). VCF-style: chr9-136514668-C-T. GRCh37 (hg19) VCF-style: chr9-139409120-C-T.
Other names: c.2049G>A, p.Ala683= (LRG_1122t1); c.2049G>A (NM_017617.4).
Identifiers: ClinVar variation 241121 (VCV000241121.91), dbSNP rs61751553, ClinGen allele CA5341498.
Genomic context (GRCh38, chr9:136,514,668, plus strand): 5'-GCGGCAGGTGAAGCCATTGATGCCGTCCTCGCAGGTGCCCCCGTTGTGGCAGGGGTTGCC[C>T]GCACACTCATCGATGTTGATGTTACACATGCTCCCTAAGGGCAGGGCGGGTCAGACTCCG-3'
Protein context (NP_060087.3, residues 673-693): SMCNINIDEC[Ala683=]GNPCHNGGTC